The following is an entry in ClinVar:

ClinVar aggregate classification (germline): Uncertain significance. Review status: criteria provided, multiple submitters, no conflicts (2 of 4 stars). 2 submissions from 2 submitters: Uncertain significance (2). Last evaluated 2025-10-06.

Conditions:
KARS1-related disorder. Also called: KARS1-related disorders.

Allele frequency attached by ClinVar (database versions not stated): ExAC 0.00002; TOPMed 0.00002; gnomAD 0.00005; 1000 Genomes Project 30x 0.00016; 1000 Genomes Project 0.00020.
gnomAD v4.1: 40 of 1,612,388 alleles (0.0025%); highest among the groups gnomAD compares: East Asian, 0.038%; no homozygotes.

Submissions (2):

PreventionGenetics, part of Exact Sciences
Classification: Uncertain significance for KARS1-related condition. Last evaluated: 2025-10-06. Review status: criteria provided, single submitter. Criteria: ACMG Guidelines, 2015. Collection method: clinical testing. Allele origin: germline.
Comment: The KARS1 c.1457A>G variant is predicted to result in the amino acid substitution p.Asn486Ser. To our knowledge, this variant has not been reported in the literature. This variant is reported in 0.010% of alleles in individuals of East Asian descent in gnomAD. At this time, the clinical significance of this variant is uncertain due to the absence of conclusive functional and genetic evidence.

Ambry Genetics
Classification: Uncertain significance. Last evaluated: 2025-06-22. Review status: criteria provided, single submitter. Criteria: Ambry Variant Classification Scheme 2023. Collection method: clinical testing. Allele origin: germline.

NM_005548.3(KARS1):c.1373A>G (p.Asn458Ser)

Genes: KARS1 (lysyl-tRNA synthetase 1; minus strand), LOC126862402 (CDK7 strongly-dependent group 2 enhancer GRCh37_chr16:75663368-75664567; plus strand). Cytogenetic location: 16q23.1.
Variant type: single nucleotide variant.
Coding change: c.1373A>G on transcript NM_005548.3 (MANE Select); coding-DNA position 1373, A replaced by G.
Protein change: p.Asn458Ser; replaces asparagine 458 with serine.
Molecular consequence: missense variant.
Genome position (GRCh38, 1-based): chr16:75,630,474, T>C on the plus strand (A>G on the coding strand, the complement: KARS1 is on the minus strand). VCF-style: chr16-75630474-T-C. GRCh37 (hg19) VCF-style: chr16-75664372-T-C.
Other names: c.1457A>G, p.Asn486Ser (NM_001130089.2); c.905A>G, p.Asn302Ser (NM_001378148.1); short protein forms N302S, N486S, N458S.
Identifiers: ClinVar variation 3112688 (VCV003112688.3), dbSNP rs140328951, ClinGen allele CA8177275.
Genomic context (GRCh38, chr16:75,630,474, plus strand): 5'-GAATCTTACCATTTAGCCAAAGGGCTCATTATCTGTGGGTGATCACAGATGAATGTAGGA[T>C]TGATGCAAGTCACTTCCAGGAACTCCCCAACAAGCTTAATGAGAAAGCAAAGCAGAGTCA-3'
Protein context (NP_005539.1, residues 448-468): VGEFLEVTCI[Asn458Ser]PTFICDHPQI